The following is an entry in ClinVar:

NM_001159.4(AOX1):c.2400A>G (p.Val800=)

Gene: AOX1 (aldehyde oxidase 1; plus strand). Cytogenetic location: 2q33.1.
Variant type: single nucleotide variant.
Coding change: c.2400A>G on transcript NM_001159.4 (MANE Select); coding-DNA position 2400, A replaced by G.
Protein change: p.Val800=; no amino-acid change (valine 800 retained).
Molecular consequence: synonymous variant.
Genome position (GRCh38, 1-based): chr2:200,636,964, A>G. VCF-style: chr2-200636964-A-G. GRCh37 (hg19) VCF-style: chr2-201501687-A-G.
Identifiers: ClinVar variation 2651813 (VCV002651813.24), dbSNP rs149839944, ClinGen allele CA2049394.

ClinVar aggregate classification (germline): Likely benign (1 of 4 stars; one submission).

Allele frequency attached by ClinVar (database versions not stated): 1000 Genomes Project 0.00040; 1000 Genomes Project 30x 0.00047; TOPMed 0.00167; ExAC 0.00200; ESP Exome Variant Server 0.00208; gnomAD 0.00208.
gnomAD v4.1: 4,080 of 1,614,114 alleles (0.25%); highest among the groups gnomAD compares: Non-Finnish European, 0.3%; 10 homozygotes.

Submission:

CeGaT Center for Human Genetics Tuebingen
Classification: Likely benign. Last evaluated: 2022-08-01. Review status: criteria provided, single submitter. Criteria: CeGaT Center For Human Genetics Tuebingen Variant Classification Criteria Version 2. Collection method: clinical testing. Allele origin: germline. Affected: yes. Observed: 1 variant allele.
Comment: AOX1: BP4, BP7